The following is an entry in ClinVar:

ClinVar aggregate classification (germline): Uncertain significance. Review status: criteria provided, multiple submitters, no conflicts (2 of 4 stars). 2 submissions from 2 submitters: Uncertain significance (2). Last evaluated 2025-10-26.

Conditions:
Inborn genetic diseases. Identifiers: MedGen C0950123, MeSH D030342.

Allele frequency attached by ClinVar (database versions not stated): gnomAD 0.00001.
gnomAD v4.1: 1 of 1,613,682 alleles (0.000062%); highest among the groups gnomAD compares: Admixed American, 0.0017%; no homozygotes.

Submissions (2):

Labcorp Genetics (formerly Invitae), Labcorp
Classification: Uncertain significance. Last evaluated: 2025-10-26. Review status: criteria provided, single submitter. Criteria: Invitae Variant Classification Sherloc (09022015). Collection method: clinical testing. Allele origin: germline.
Comment: This sequence change replaces arginine, which is basic and polar, with tryptophan, which is neutral and slightly polar, at codon 1206 of the CYFIP2 protein (p.Arg1206Trp). This variant is not present in population databases (gnomAD no frequency). This variant has not been reported in the literature in individuals affected with CYFIP2-related conditions. ClinVar contains an entry for this variant (Variation ID: 985750). Experimental studies and prediction algorithms are not available or were not evaluated, and the functional significance of this variant is currently unknown. In summary, the available evidence is currently insufficient to determine the role of this variant in disease. Therefore, it has been classified as a Variant of Uncertain Significance.

Ambry Genetics
Classification: Uncertain significance for Inborn genetic diseases. Last evaluated: 2018-05-16. Review status: criteria provided, single submitter. Criteria: Ambry exome assertion method (8-5-2015). Collection method: clinical testing. Allele origin: germline. Affected: yes. Observed: 1 variant allele.

NM_001037333.3(CYFIP2):c.3616C>T (p.Arg1206Trp)

Genes: CYFIP2 (cytoplasmic FMR1 interacting protein 2; plus strand), NIPAL4-DT (NIPAL4 divergent transcript; minus strand). Cytogenetic location: 5q33.3.
Variant type: single nucleotide variant.
Coding change: c.3616C>T on transcript NM_001037333.3 (MANE Select); coding-DNA position 3616, C replaced by T.
Protein change: p.Arg1206Trp; replaces arginine 1206 with tryptophan.
Molecular consequence: missense variant.
Genome position (GRCh38, 1-based): chr5:157,392,854, C>T. VCF-style: chr5-157392854-C-T. GRCh37 (hg19) VCF-style: chr5-156819862-C-T.
Other names: NM_001037332.2:c.3616C>T; c.3538C>T, p.Arg1180Trp (NM_001291721.2); c.3691C>T, p.Arg1231Trp (NM_001291722.2); c.3616C>T, p.Arg1206Trp (NM_014376.4); short protein forms R1180W, R1206W, R1231W.
Identifiers: ClinVar variation 985750 (VCV000985750.4), dbSNP rs1767447649, ClinGen allele CA361983405.